The following is an entry in ClinVar:

NM_002470.4(MYH3):c.5274G>A (p.Lys1758=)

Gene: MYH3 (myosin heavy chain 3; minus strand). Cytogenetic location: 17p13.1.
Variant type: single nucleotide variant.
Coding change: c.5274G>A on transcript NM_002470.4 (MANE Select); coding-DNA position 5274, G replaced by A.
Protein change: p.Lys1758=; no amino-acid change (lysine 1758 retained).
Molecular consequence: synonymous variant.
Genome position (GRCh38, 1-based): chr17:10,631,623, C>T on the plus strand (G>A on the coding strand, the complement: MYH3 is on the minus strand). VCF-style: chr17-10631623-C-T. GRCh37 (hg19) VCF-style: chr17-10534940-C-T.
Identifiers: ClinVar variation 321719 (VCV000321719.14), dbSNP rs377092561, ClinGen allele CA8391999.
Genomic context (GRCh38, chr17:10,631,623, plus strand): 5'-GCAATGCAATCCCGGCAGCCCGAGGGCAGCAGGAAGGAGACGCCTTACGTCCGTGATGGC[C>T]TTCTTGGCCTTCTCCTCAGCGTTCCTTGCATCCCTGCTGGCATCTTCTACCTCACTCTGG-3'
Protein context (NP_002461.2, residues 1748-1768): DARNAEEKAK[Lys1758=]AITDAAMMAE

ClinVar aggregate classification (germline): Benign/Likely benign. Review status: criteria provided, multiple submitters, no conflicts (2 of 4 stars). 5 submissions from 4 submitters: Benign (2); Likely benign (3). Last evaluated 2026-01-15.

Conditions:
Distal arthrogryposis type 2B1 (DA2B1). Also called: Arthrogryposis multiplex congenita distal type II with craniofacial abnormalities. Identifiers: Orphanet 1147, MedGen C5193014, MONDO:0020820, OMIM 601680.
Freeman-Sheldon syndrome (DA2A). Also called: CRANIOCARPOTARSAL DYSPLASIA; CRANIOCARPOTARSAL DYSTROPHY; WHISTLING FACE-WINDMILL VANE HAND SYNDROME; Arthrogryposis, distal, type 2A (Freeman-Sheldon). Identifiers: Orphanet 2053, MedGen C0265224, MONDO:0008675, OMIM 193700.

Allele frequency attached by ClinVar (database versions not stated): gnomAD 0.00019 and 0.00028; gnomAD exomes 0.00029 and 0.00046; ESP Exome Variant Server 0.00031; TOPMed 0.00041; ExAC 0.00052; 1000 Genomes Project 0.00060; 1000 Genomes Project 30x 0.00062.
gnomAD v4.1: 478 of 1,614,138 alleles (0.03%); highest among the groups gnomAD compares: Middle Eastern, 0.31%; 1 homozygote.

Submissions (5):

Labcorp Genetics (formerly Invitae), Labcorp
Classification: Benign. Last evaluated: 2026-01-15. Review status: criteria provided, single submitter. Criteria: Invitae Variant Classification Sherloc (09022015). Collection method: clinical testing. Allele origin: germline.

Blueprint Genetics
Classification: Likely benign. Last evaluated: 2024-11-18. Review status: criteria provided, single submitter. Criteria: ACMG Guidelines, 2015. Collection method: clinical testing. Allele origin: germline.

Illumina Laboratory Services, Illumina
Classification: Likely benign for Distal arthrogryposis type 2B1. Last evaluated: 2018-01-13. Review status: criteria provided, single submitter. Criteria: ICSL Variant Classification Criteria 13 December 2019. Collection method: clinical testing. Allele origin: germline.
Comment: This variant was observed in the ICSL laboratory as part of a predisposition screen in an ostensibly healthy population. It had not been previously curated by ICSL or reported in the Human Gene Mutation Database (HGMD: prior to June 1st, 2018), and was therefore a candidate for classification through an automated scoring system. Utilizing variant allele frequency, disease prevalence and penetrance estimates, and inheritance mode, an automated score was calculated to assess if this variant is too frequent to cause the disease. Based on the score and internal cut-off values, a variant classified as likely benign is not then subjected to further curation. The score for this variant resulted in a classification of likely benign for this disease.

Illumina Laboratory Services, Illumina
Classification: Benign for Freeman-Sheldon syndrome. Last evaluated: 2018-01-13. Review status: criteria provided, single submitter. Criteria: ICSL Variant Classification Criteria 13 December 2019. Collection method: clinical testing. Allele origin: germline.
Comment: This variant was observed in the ICSL laboratory as part of a predisposition screen in an ostensibly healthy population. It had not been previously curated by ICSL or reported in the Human Gene Mutation Database (HGMD: prior to June 1st, 2018), and was therefore a candidate for classification through an automated scoring system. Utilizing variant allele frequency, disease prevalence and penetrance estimates, and inheritance mode, an automated score was calculated to assess if this variant is too frequent to cause the disease. Based on the score and internal cut-off values, a variant classified as benign is not then subjected to further curation. The score for this variant resulted in a classification of benign for this disease.

Breakthrough Genomics
Classification: Likely benign. Review status: criteria provided, single submitter. Criteria: ACMG Guidelines, 2015. Collection method: not provided. Allele origin: germline. Inheritance: Autosomal recessive inheritance. Affected: yes.